The following is an entry in ClinVar:

NM_001139.3(ALOX12B):c.938_941dup (p.Ala316fs)

Gene: ALOX12B (arachidonate 12-lipoxygenase, 12R type; minus strand). Cytogenetic location: 17p13.1.
Variant type: Duplication.
Coding change: c.938_941dup on transcript NM_001139.3 (MANE Select); coding-DNA positions 938 to 941, 4 bases duplicated (TTTA; older notation c.938_941dupTTTA).
Protein change: p.Ala316fs; shifts the reading frame from alanine 316.
Molecular consequence: frameshift variant.
Genome position (GRCh38, 1-based): chr17:8,079,526-8,079,529, TAAA duplicated on the plus strand (TTTA on the coding strand, the reverse complement: ALOX12B is on the minus strand); duplicating any 4 consecutive bases within chr17:8,079,526-8,079,530 gives the same sequence; the c. name uses the placement nearest the transcript's 3' end. VCF-style (leftmost placement, unchanged base first): chr17-8079525-G-GTAAA. GRCh37 (hg19) VCF-style: chr17-7982843-G-GTAAA.
Other names: short protein forms A316fs.
Identifiers: ClinVar variation 995772 (VCV000995772.4), dbSNP rs1977160664, ClinGen allele CA1139665183.

ClinVar aggregate classification (germline): Pathogenic. Review status: criteria provided, single submitter (1 of 4 stars). 2 submissions from 2 submitters: Pathogenic (1). 1 of the submissions does not count toward it.

Conditions:
Autosomal recessive congenital ichthyosis 2 (ARCI2). Identifiers: Orphanet 281122, Orphanet 79394, MedGen C3888093, MONDO:0009439, OMIM 242100.

Submissions (2):

Juno Genomics, Hangzhou Juno Genomics, Inc
Classification: Pathogenic for Autosomal recessive congenital ichthyosis 2. Review status: criteria provided, single submitter. Criteria: ACMG Guidelines, 2015. Collection method: clinical testing. Allele origin: germline.
Comment: Absent from controls (or at extremely low frequency if recessive) in Genome Aggregation Database.;Null variant in a gene where loss of function (LOF) is a known mechanism of disease.;For recessive disorders, detected in trans with a pathogenic variant.;Patient's phenotype or family history is highly specific for a disease with a single genetic etiology.

Institute for Human Genetics, University Medical Center Freiburg
Classification: Pathogenic for Autosomal recessive congenital ichthyosis 2. Last evaluated: 2021-01-07. Review status: no assertion criteria provided. Collection method: clinical testing. Allele origin: unknown. Affected: yes. Not counted in ClinVar's aggregate classification.